The following is an entry in ClinVar:

NM_022166.4(XYLT1):c.2162C>A (p.Pro721Gln)

Gene: XYLT1 (xylosyltransferase 1; minus strand). Cytogenetic location: 16p12.3.
Variant type: single nucleotide variant.
Coding change: c.2162C>A on transcript NM_022166.4 (MANE Select); coding-DNA position 2162, C replaced by A.
Protein change: p.Pro721Gln; replaces proline 721 with glutamine.
Molecular consequence: missense variant.
Genome position (GRCh38, 1-based): chr16:17,127,727, G>T on the plus strand (C>A on the coding strand, the complement: XYLT1 is on the minus strand). VCF-style: chr16-17127727-G-T. GRCh37 (hg19) VCF-style: chr16-17221584-G-T.
Other names: c.2162C>A (NM_022166.3); short protein forms P721Q.
Identifiers: ClinVar variation 1020085 (VCV001020085.8), dbSNP rs767151460, ClinGen allele CA279080047.

ClinVar aggregate classification (germline): Uncertain significance. Review status: criteria provided, multiple submitters, no conflicts (2 of 4 stars). 2 submissions from 2 submitters: Uncertain significance (2). Last evaluated 2024-05-28.

Conditions:
Inborn genetic diseases. Identifiers: MedGen C0950123, MeSH D030342.
Desbuquois dysplasia 1 (DBQD1). Also called: MICROMELIC DWARFISM WITH VERTEBRAL AND METAPHYSEAL ABNORMALITIES AND ADVANCED CARPOTARSAL OSSIFICATION; DESBUQUOIS DYSPLASIA 1, KIM VARIANT. Identifiers: Orphanet 1425, MedGen C4012146, MONDO:0009629, OMIM 251450.

Allele frequency attached by ClinVar (database versions not stated): TOPMed 0.00001.
gnomAD v4.1: 17 of 1,613,822 alleles (0.0011%); highest among the groups gnomAD compares: Non-Finnish European, 0.0014%; no homozygotes.

Submissions (2):

Ambry Genetics
Classification: Uncertain significance for Inborn genetic diseases. Last evaluated: 2024-05-28. Review status: criteria provided, single submitter. Criteria: Ambry Variant Classification Scheme 2023. Collection method: clinical testing. Allele origin: germline.

Labcorp Genetics (formerly Invitae), Labcorp
Classification: Uncertain significance for Desbuquois dysplasia 1. Last evaluated: 2023-06-15. Review status: criteria provided, single submitter. Criteria: Invitae Variant Classification Sherloc (09022015). Collection method: clinical testing. Allele origin: germline.
Comment: In summary, the available evidence is currently insufficient to determine the role of this variant in disease. Therefore, it has been classified as a Variant of Uncertain Significance. Advanced modeling of protein sequence and biophysical properties (such as structural, functional, and spatial information, amino acid conservation, physicochemical variation, residue mobility, and thermodynamic stability) performed at Invitae indicates that this missense variant is expected to disrupt XYLT1 protein function. ClinVar contains an entry for this variant (Variation ID: 1020085). This variant has not been reported in the literature in individuals affected with XYLT1-related conditions. This variant is present in population databases (no rsID available, gnomAD 0.002%). This sequence change replaces proline, which is neutral and non-polar, with glutamine, which is neutral and polar, at codon 721 of the XYLT1 protein (p.Pro721Gln).